The following is an entry in ClinVar:

ClinVar aggregate classification (germline): Uncertain significance. Review status: criteria provided, multiple submitters, no conflicts (2 of 4 stars). 6 submissions from 6 submitters: Uncertain significance (5). 1 of the submissions does not count toward it. Last evaluated 2024-09-08.

Conditions:
Hereditary cancer-predisposing syndrome. Also called: Hereditary neoplastic syndrome; Neoplastic Syndromes, Hereditary; Tumor predisposition; Hereditary Cancer Syndrome. Identifiers: Orphanet 140162, MedGen C0027672, MeSH D009386, MONDO:0015356.
Fanconi anemia (FA). Also called: Fanconi's anemia. Identifiers: Orphanet 84, MedGen C0015625, MeSH D005199, MONDO:0019391.
Fanconi anemia complementation group C (FANCC). Also called: Fanconi anemia, group C; FANCONI PANCYTOPENIA, TYPE 3; FACC; FANCC-Related Fanconi Anemia. Identifiers: Orphanet 84, MedGen C3468041, MONDO:0009213, OMIM 227645.

Allele frequency attached by ClinVar (database versions not stated): ExAC 0.00002; gnomAD 0.00003; TOPMed 0.00006; ESP Exome Variant Server 0.00015.
gnomAD v4.1: 10 of 1,613,670 alleles (0.00062%); highest among the groups gnomAD compares: African/African-American, 0.012%; no homozygotes.

Submissions (6):

Labcorp Genetics (formerly Invitae), Labcorp
Classification: Uncertain significance for Fanconi anemia. Last evaluated: 2024-09-08. Review status: criteria provided, single submitter. Criteria: Invitae Variant Classification Sherloc (09022015). Collection method: clinical testing. Allele origin: germline.
Comment: This sequence change replaces serine, which is neutral and polar, with arginine, which is basic and polar, at codon 330 of the FANCC protein (p.Ser330Arg). This variant is present in population databases (rs374915316, gnomAD 0.02%). This missense change has been observed in individual(s) with breast cancer (PMID: 36315513). ClinVar contains an entry for this variant (Variation ID: 422336). Invitae Evidence Modeling of protein sequence and biophysical properties (such as structural, functional, and spatial information, amino acid conservation, physicochemical variation, residue mobility, and thermodynamic stability) indicates that this missense variant is not expected to disrupt FANCC protein function with a negative predictive value of 80%. In summary, the available evidence is currently insufficient to determine the role of this variant in disease. Therefore, it has been classified as a Variant of Uncertain Significance.

Fulgent Genetics
Classification: Uncertain significance for Fanconi anemia complementation group C. Last evaluated: 2024-04-04. Review status: criteria provided, single submitter. Criteria: ACMG Guidelines, 2015. Collection method: clinical testing. Allele origin: germline.

Ambry Genetics
Classification: Uncertain significance for Hereditary cancer-predisposing syndrome. Last evaluated: 2023-06-15. Review status: criteria provided, single submitter. Criteria: Ambry Variant Classification Scheme 2023. Collection method: clinical testing. Allele origin: germline.
Comment: The p.S330R variant (also known as c.990C>G), located in coding exon 9 of the FANCC gene, results from a C to G substitution at nucleotide position 990. The serine at codon 330 is replaced by arginine, an amino acid with dissimilar properties. This alteration was identified in an individual diagnosed with breast cancer (McDonald JT et al. PLoS One, 2022 Oct;17:e0273835). This amino acid position is poorly conserved in available vertebrate species. In addition, this alteration is predicted to be tolerated by in silico analysis. Since supporting evidence is limited at this time, the clinical significance of this alteration remains unclear.

GeneDx
Classification: Uncertain significance. Last evaluated: 2023-04-05. Review status: criteria provided, single submitter. Criteria: GeneDx Variant Classification Process June 2021. Collection method: clinical testing. Allele origin: germline. Affected: yes.
Comment: Not observed at significant frequency in large population cohorts (gnomAD); In silico analysis supports that this missense variant does not alter protein structure/function; Has not been previously published as pathogenic or benign to our knowledge; This variant is associated with the following publications: (PMID: Gordon2000[Book])

St. Jude Molecular Pathology, St. Jude Children's Research Hospital
Classification: Uncertain significance for Fanconi anemia. Last evaluated: 2022-03-22. Review status: criteria provided, single submitter. Criteria: St. Jude Assertion Criteria 2020. Collection method: clinical testing. Allele origin: germline.
Comment: The FANCC c.990C>G (p.Ser330Arg) missense change has a maximum subpopulation frequency of 0.0062% in gnomAD v2.1.1 (PM2_supporting). Five of seven in silico tools predict a benign effect of this variant on protein function (BP4), but these predictions have not been confirmed by functional studies. To our knowledge, this variant has not been reported in individuals with Fanconi anemia. In summary, this variant meets criteria to be classified as of uncertain significance based on the ACMG/AMP criteria: PM2_supporting, BP4.

Natera, Inc.
Classification: Uncertain significance for Fanconi anemia. Last evaluated: 2018-11-13. Review status: no assertion criteria provided. Collection method: clinical testing. Allele origin: germline. Not counted in ClinVar's aggregate classification.

Literature cited by the submitters: PubMed 36315513 (cited by Labcorp Genetics (formerly Invitae), Labcorp and Ambry Genetics).

NM_000136.3(FANCC):c.990C>G (p.Ser330Arg)

Genes: FANCC (FA complementation group C; minus strand), AOPEP (aminopeptidase O (putative); plus strand). Cytogenetic location: 9q22.32.
Variant type: single nucleotide variant.
Coding change: c.990C>G on transcript NM_000136.3 (MANE Select); coding-DNA position 990, C replaced by G.
Protein change: p.Ser330Arg; replaces serine 330 with arginine.
Molecular consequence: missense variant.
Genome position (GRCh38, 1-based): chr9:95,125,092, G>C on the plus strand (C>G on the coding strand, the complement: FANCC is on the minus strand). VCF-style: chr9-95125092-G-C. GRCh37 (hg19) VCF-style: chr9-97887374-G-C.
Other names: c.990C>G, p.Ser330Arg (NM_001243743.2, NM_001243744.2); short protein forms S330R.
Identifiers: ClinVar variation 422336 (VCV000422336.30), dbSNP rs374915316, ClinGen allele CA5137573.
Genomic context (GRCh38, chr9:95,125,092, plus strand): 5'-TCAACAGCGTCTTATTCTCTGGGATGAATGAGTAATATATGTGATATAACAAACCTGCTT[G>C]CTTGCTTTCTCCAGAGCTTCTACAAAGCACTGCGTAAACACCTGAATAGTGGCTATGATT-3'
Protein context (NP_000127.2, residues 320-340): QCFVEALEKA[Ser330Arg]KQLRFALKTY